The following is an entry in ClinVar:

ClinVar aggregate classification (germline): Uncertain significance (1 of 4 stars; one submission).

Conditions:
Duchenne muscular dystrophy (DMD). Also called: MUSCULAR DYSTROPHY, PSEUDOHYPERTROPHIC PROGRESSIVE, DUCHENNE TYPE; Duchenne Muscular Dystrophy (DMD). Identifiers: Orphanet 98896, MedGen C0013264, MONDO:0010679, OMIM 310200.

gnomAD v4.1: 4 of 1,210,993 alleles (0.00033%); highest among the groups gnomAD compares: East Asian, 0.003%; no homozygotes.

Submission:

Labcorp Genetics (formerly Invitae), Labcorp
Classification: Uncertain significance for Duchenne muscular dystrophy. Last evaluated: 2024-09-27. Review status: criteria provided, single submitter. Criteria: Invitae Variant Classification Sherloc (09022015). Collection method: clinical testing. Allele origin: germline.
Comment: This sequence change replaces lysine, which is basic and polar, with arginine, which is basic and polar, at codon 760 of the DMD protein (p.Lys760Arg). This variant is not present in population databases (gnomAD no frequency). This variant has not been reported in the literature in individuals affected with DMD-related conditions. ClinVar contains an entry for this variant (Variation ID: 1926189). Invitae Evidence Modeling of protein sequence and biophysical properties (such as structural, functional, and spatial information, amino acid conservation, physicochemical variation, residue mobility, and thermodynamic stability) indicates that this missense variant is not expected to disrupt DMD protein function with a negative predictive value of 95%. In summary, the available evidence is currently insufficient to determine the role of this variant in disease. Therefore, it has been classified as a Variant of Uncertain Significance.

NM_004006.3(DMD):c.2279A>G (p.Lys760Arg)

Gene: DMD (dystrophin; minus strand). Cytogenetic location: Xp21.1.
Variant type: single nucleotide variant.
Coding change: c.2279A>G on transcript NM_004006.3 (MANE Select); coding-DNA position 2279, A replaced by G.
Protein change: p.Lys760Arg; replaces lysine 760 with arginine.
Molecular consequence: missense variant.
Genome position (GRCh38, 1-based): chrX:32,518,021, T>C on the plus strand (A>G on the coding strand, the complement: DMD is on the minus strand). VCF-style: chrX-32518021-T-C. GRCh37 (hg19) VCF-style: chrX-32536138-T-C.
Other names: c.2255A>G, p.Lys752Arg (NM_000109.4); c.2267A>G, p.Lys756Arg (NM_004009.3); c.1910A>G, p.Lys637Arg (NM_004010.3); short protein forms K637R, K752R, K756R, K760R.
Identifiers: ClinVar variation 1926189 (VCV001926189.4), dbSNP rs755326440, ClinGen allele CA412663671.